The following is an entry in ClinVar:

ClinVar aggregate classification (germline): Likely pathogenic (1 of 4 stars; one submission).

Submission:

Labcorp Genetics (formerly Invitae), Labcorp
Classification: Likely pathogenic. Last evaluated: 2023-04-09. Review status: criteria provided, single submitter. Criteria: Invitae Variant Classification Sherloc (09022015). Collection method: clinical testing. Allele origin: germline.
Comment: This variant disrupts the triple helix domain of COL2A1. Glycine residues within the Gly-Xaa-Yaa repeats of the triple helix domain are required for the structure and stability of fibrillar collagens (PMID: 7695699, 8218237, 19344236). In COL2A1, variants affecting these glycine residues are significantly enriched in individuals with disease (PMID: 9016532, 17078022) compared to the general population (ExAC). In summary, the currently available evidence indicates that the variant is pathogenic, but additional data are needed to prove that conclusively. Therefore, this variant has been classified as Likely Pathogenic. Advanced modeling of protein sequence and biophysical properties (such as structural, functional, and spatial information, amino acid conservation, physicochemical variation, residue mobility, and thermodynamic stability) performed at Invitae indicates that this missense variant is expected to disrupt COL2A1 protein function. This missense change has been observed in individual(s) with clinical features of autosomal dominant spondyloepiphyseal dysplasia congenita (Invitae). This variant is not present in population databases (gnomAD no frequency). This sequence change replaces glycine, which is neutral and non-polar, with valine, which is neutral and non-polar, at codon 660 of the COL2A1 protein (p.Gly660Val).

Literature cited by the submitters: PubMed 7695699; PubMed 8218237; PubMed 19344236; PubMed 9016532; PubMed 17078022.

NM_001844.5(COL2A1):c.1979G>T (p.Gly660Val)

Gene: COL2A1 (collagen type II alpha 1 chain; minus strand). Cytogenetic location: 12q13.11.
Variant type: single nucleotide variant.
Coding change: c.1979G>T on transcript NM_001844.5 (MANE Select); coding-DNA position 1979, G replaced by T.
Protein change: p.Gly660Val; replaces glycine 660 with valine.
Molecular consequence: missense variant.
Genome position (GRCh38, 1-based): chr12:47,983,699, C>A on the plus strand (G>T on the coding strand, the complement: COL2A1 is on the minus strand). VCF-style: chr12-47983699-C-A. GRCh37 (hg19) VCF-style: chr12-48377482-C-A.
Other names: c.1772G>T, p.Gly591Val (NM_033150.3); short protein forms G591V, G660V.
Identifiers: ClinVar variation 2854502 (VCV002854502.3), dbSNP rs1555166729, ClinGen allele CA384548388.